The following is an entry in ClinVar:

ClinVar aggregate classification (germline): Conflicting classifications of pathogenicity. Review status: criteria provided, conflicting classifications (1 of 4 stars). 3 submissions from 3 submitters: Uncertain significance (2); Likely benign (1). Last evaluated 2024-12-06.

Conditions:
Mitochondrial trifunctional protein deficiency. Identifiers: Orphanet 746, MedGen C1969443, MONDO:0012172.
HADHB-related disorder. Also called: HADHB-related condition.

Allele frequency attached by ClinVar (database versions not stated): gnomAD exomes below 0.00001; TOPMed below 0.00001; ExAC 0.00001.
gnomAD v4.1: 2 of 1,541,622 alleles (0.00013%); highest among the groups gnomAD compares: Non-Finnish European, 0.00018%; no homozygotes.

Submissions (3):

PreventionGenetics, part of Exact Sciences
Classification: Likely benign for HADHB-related condition. Last evaluated: 2024-12-06. Review status: criteria provided, single submitter. Criteria: ACMG Guidelines, 2015. Collection method: clinical testing. Allele origin: germline.
Comment: This variant is classified as likely benign based on ACMG/AMP sequence variant interpretation guidelines (Richards et al. 2015 PMID: 25741868, with internal and published modifications).

Labcorp Genetics (formerly Invitae), Labcorp
Classification: Uncertain significance for Mitochondrial trifunctional protein deficiency. Last evaluated: 2023-11-24. Review status: criteria provided, single submitter. Criteria: Invitae Variant Classification Sherloc (09022015). Collection method: clinical testing. Allele origin: germline.
Comment: This sequence change falls in intron 3 of the HADHB gene. It does not directly change the encoded amino acid sequence of the HADHB protein. It affects a nucleotide within the consensus splice site. This variant is present in population databases (rs769724590, gnomAD 0.0009%). This variant has not been reported in the literature in individuals affected with HADHB-related conditions. ClinVar contains an entry for this variant (Variation ID: 1162917). Variants that disrupt the consensus splice site are a relatively common cause of aberrant splicing (PMID: 17576681, 9536098). Algorithms developed to predict the effect of sequence changes on RNA splicing suggest that this variant is not likely to affect RNA splicing. In summary, the available evidence is currently insufficient to determine the role of this variant in disease. Therefore, it has been classified as a Variant of Uncertain Significance.

Mayo Clinic Laboratories, Mayo Clinic
Classification: Uncertain significance. Last evaluated: 2019-12-27. Review status: criteria provided, single submitter. Criteria: ACMG Guidelines, 2015. Collection method: clinical testing. Allele origin: germline. Observed: 1 variant allele.

Literature cited by the submitters: PubMed 17576681 (cited by Labcorp Genetics (formerly Invitae), Labcorp); PubMed 9536098 (cited by Labcorp Genetics (formerly Invitae), Labcorp).

NM_000183.3(HADHB):c.109+4C>T

Gene: HADHB (hydroxyacyl-CoA dehydrogenase trifunctional multienzyme complex subunit beta; plus strand). Cytogenetic location: 2p23.3.
Variant type: single nucleotide variant.
Coding change: c.109+4C>T on transcript NM_000183.3 (MANE Select); 4 bases into the intron after coding-DNA position 109, C replaced by T.
Molecular consequence: intron variant.
Genome position (GRCh38, 1-based): chr2:26,254,478, C>T. VCF-style: chr2-26254478-C-T. GRCh37 (hg19) VCF-style: chr2-26477346-C-T.
Other names: c.-41+4C>T (NM_001281513.2); c.109+4C>T (NM_001281512.2).
Identifiers: ClinVar variation 1162917 (VCV001162917.9), dbSNP rs769724590, ClinGen allele CA1560088.